The following is an entry in ClinVar:

NM_032930.3(CFAP300):c.110+1G>T

Gene: CFAP300 (cilia and flagella associated protein 300; plus strand). Cytogenetic location: 11q22.1.
Variant type: single nucleotide variant.
Coding change: c.110+1G>T on transcript NM_032930.3 (MANE Select); the canonical splice donor site of the intron after coding-DNA position 110, G replaced by T.
Molecular consequence: splice donor variant.
Genome position (GRCh38, 1-based): chr11:102,047,581, G>T. VCF-style: chr11-102047581-G-T. GRCh37 (hg19) VCF-style: chr11-101918312-G-T.
Other names: c.110+1G>T (NM_001363505.2, NM_001195005.2).
Identifiers: ClinVar variation 2785963 (VCV002785963.3), dbSNP rs865809219, ClinGen allele CA228275760.
Genomic context (GRCh38, chr11:102,047,581, plus strand): 5'-GCCTCAGAAAACCTTCCAGTCTCTGAGCTCTAAGGAGATCACCAGCCGGCTCCGCCAGTG[G>T]TGAGGAACCGAGGCACAGGGAGAGAAGAGGCCCTTGGTCTTCGCGGCTGTGGAGGCGCAG-3'

ClinVar aggregate classification (germline): Likely pathogenic (1 of 4 stars; one submission).

Allele frequency attached by ClinVar (database versions not stated): gnomAD exomes below 0.00001; TOPMed 0.00001; gnomAD 0.00003.
gnomAD v4.1: 8 of 1,535,668 alleles (0.00052%); highest among the groups gnomAD compares: African/African-American, 0.011%; no homozygotes.

Submission:

Labcorp Genetics (formerly Invitae), Labcorp
Classification: Likely pathogenic. Last evaluated: 2023-10-23. Review status: criteria provided, single submitter. Criteria: Invitae Variant Classification Sherloc (09022015). Collection method: clinical testing. Allele origin: germline.
Comment: This sequence change affects a donor splice site in intron 1 of the C11orf70 gene. It is expected to disrupt RNA splicing. Variants that disrupt the donor or acceptor splice site typically lead to a loss of protein function (PMID: 16199547), and loss-of-function variants in C11orf70 are known to be pathogenic (PMID: 29727692, 29727693). This variant is not present in population databases (gnomAD no frequency). This variant has not been reported in the literature in individuals affected with C11orf70-related conditions. Algorithms developed to predict the effect of sequence changes on RNA splicing suggest that this variant may disrupt the consensus splice site. In summary, the currently available evidence indicates that the variant is pathogenic, but additional data are needed to prove that conclusively. Therefore, this variant has been classified as Likely Pathogenic.

Literature cited by the submitters: PubMed 16199547; PubMed 29727692; PubMed 29727693.